The following is an entry in ClinVar:

ClinVar aggregate classification (germline): Uncertain significance (1 of 4 stars; one submission).

Allele frequency attached by ClinVar (database versions not stated): gnomAD 0.00001; gnomAD exomes 0.00001 and 0.00002; TOPMed 0.00001; ExAC 0.00004.
gnomAD v4.1: 12 of 1,612,402 alleles (0.00074%); highest among the groups gnomAD compares: East Asian, 0.0045%; no homozygotes.

Submission:

Labcorp Genetics (formerly Invitae), Labcorp
Classification: Uncertain significance. Last evaluated: 2024-07-22. Review status: criteria provided, single submitter. Criteria: Invitae Variant Classification Sherloc (09022015). Collection method: clinical testing. Allele origin: germline.
Comment: This sequence change replaces arginine, which is basic and polar, with cysteine, which is neutral and slightly polar, at codon 1090 of the MTOR protein (p.Arg1090Cys). This variant is present in population databases (rs761539813, gnomAD 0.01%). This variant has not been reported in the literature in individuals affected with MTOR-related conditions. ClinVar contains an entry for this variant (Variation ID: 1024191). Advanced modeling of protein sequence and biophysical properties (such as structural, functional, and spatial information, amino acid conservation, physicochemical variation, residue mobility, and thermodynamic stability) performed at Invitae indicates that this missense variant is not expected to disrupt MTOR protein function with a negative predictive value of 95%. In summary, the available evidence is currently insufficient to determine the role of this variant in disease. Therefore, it has been classified as a Variant of Uncertain Significance.

NM_004958.4(MTOR):c.3268C>T (p.Arg1090Cys)

Gene: MTOR (mechanistic target of rapamycin kinase; minus strand). Cytogenetic location: 1p36.22.
Variant type: single nucleotide variant.
Coding change: c.3268C>T on transcript NM_004958.4 (MANE Select); coding-DNA position 3268, C replaced by T.
Protein change: p.Arg1090Cys; replaces arginine 1090 with cysteine.
Molecular consequence: missense variant.
Genome position (GRCh38, 1-based): chr1:11,213,416, G>A on the plus strand (C>T on the coding strand, the complement: MTOR is on the minus strand). VCF-style: chr1-11213416-G-A. GRCh37 (hg19) VCF-style: chr1-11273473-G-A.
Other names: short protein forms R1090C.
Identifiers: ClinVar variation 1024191 (VCV001024191.8), dbSNP rs761539813, ClinGen allele CA590278.